The following is an entry in ClinVar:

NM_014946.4(SPAST):c.*6T>C

Gene: SPAST (spastin; plus strand). Cytogenetic location: 2p22.3.
Variant type: single nucleotide variant.
Coding change: c.*6T>C on transcript NM_014946.4 (MANE Select); 6 bases downstream of the stop codon, T replaced by C.
Molecular consequence: 3 prime UTR variant.
Genome position (GRCh38, 1-based): chr2:32,154,502, T>C. VCF-style: chr2-32154502-T-C. GRCh37 (hg19) VCF-style: chr2-32379571-T-C.
Other names: c.*6T>C (NM_001363823.2, NM_001363875.2, NM_199436.2); c.*130T>C (NM_001377959.1).
Identifiers: ClinVar variation 3368732 (VCV003368732.1).

ClinVar aggregate classification (germline): Uncertain significance (1 of 4 stars; one submission).

gnomAD v4.1: 3 of 1,613,476 alleles (0.00019%); highest among the groups gnomAD compares: Admixed American, 0.0017%; no homozygotes.

Submission:

GeneDx
Classification: Uncertain significance. Last evaluated: 2024-02-05. Review status: criteria provided, single submitter. Criteria: GeneDx Variant Classification Process June 2021. Collection method: clinical testing. Allele origin: germline. Affected: yes.
Comment: Has not been previously published as pathogenic or benign to our knowledge; Not observed at significant frequency in large population cohorts (gnomAD); Nucleotide is not conserved across species and the substitution has no predicted effect on splicing